The following is an entry in ClinVar:

NM_000051.3:c.919_920insALU

Gene: ATM (ATM serine/threonine kinase; plus strand).
Variant type: Insertion.
Identifiers: ClinVar variation 1766127 (VCV001766127.3).

ClinVar aggregate classification (germline): Pathogenic (1 of 4 stars; one submission).

Conditions:
Hereditary cancer-predisposing syndrome. Also called: Neoplastic Syndromes, Hereditary; Tumor predisposition; Hereditary Cancer Syndrome; Hereditary neoplastic syndrome. Identifiers: Orphanet 140162, MedGen C0027672, MeSH D009386, MONDO:0015356.

Submission:

Ambry Genetics
Classification: Pathogenic for Hereditary cancer-predisposing syndrome. Last evaluated: 2024-10-07. Review status: criteria provided, single submitter. Criteria: Ambry Variant Classification Scheme 2023. Collection method: clinical testing. Allele origin: germline.
Comment: The c.919_920insAlu pathogenic mutation results from the insertion of an Alu element between nucleotides 919 and 920 in coding exon 7 of the ATM gene. Mobile element insertions contribute to pathogenicity by either disrupting the coding sequence or inducing aberrant splicing (Belancio VP et al. Semin. Cancer Biol. 2010 Aug;20:200-10; Deininger P et al. Genome Biol. 2011 Dec;12:236; van der Klift HM Hum Mutat. 2012 Jul;33(7):1051-5). This Alu element insertion has been reported in multiple individuals referred for hereditary cancer testing (Qian Y et al. Cancer Genet 2017 Oct;216-217:159-169). RNA studies have demonstrated that this alteration results in abnormal splicing in the set of samples tested (Ambry internal data). Based on the supporting evidence, this alteration is interpreted as a disease-causing mutation.

Literature cited by the submitters: PubMed 29025590.